The following is an entry in ClinVar:

ClinVar aggregate classification (germline): Pathogenic. Review status: reviewed by expert panel (3 of 4 stars). 3 submissions from 3 submitters: Pathogenic (1). 2 of the submissions do not count toward it. Last evaluated 2016-09-08.

Conditions:
Hereditary cancer-predisposing syndrome. Also called: Hereditary Cancer Syndrome; Hereditary neoplastic syndrome; Neoplastic Syndromes, Hereditary; Tumor predisposition. Identifiers: Orphanet 140162, MedGen C0027672, MeSH D009386, MONDO:0015356.
Breast-ovarian cancer, familial, susceptibility to, 1 (BROVCA1). Also called: BRCA1 Hereditary Breast and Ovarian Cancer; OVARIAN CANCER, SUSCEPTIBILITY TO. Identifiers: Orphanet 145, MedGen C2676676, MONDO:0011450, OMIM 604370. Disease mechanism: loss of function.

Submissions (3):

Evidence-based Network for the Interpretation of Germline Mutant Alleles (ENIGMA)
Classification: Pathogenic for Breast-ovarian cancer, familial, susceptibility to, 1. Last evaluated: 2016-09-08. Review status: reviewed by expert panel. Criteria: ENIGMA BRCA1/2 Classification Criteria (2015). Collection method: curation. Allele origin: germline.
Comment: Variant allele predicted to encode a truncated non-functional protein.

Ambry Genetics
Classification: Pathogenic for Hereditary cancer-predisposing syndrome. Last evaluated: 2020-10-28. Review status: criteria provided, single submitter. Criteria: Ambry Variant Classification Scheme 2023. Collection method: clinical testing. Allele origin: germline. Not counted in ClinVar's aggregate classification.
Comment: The c.1361delG pathogenic mutation, located in coding exon 9 of the BRCA1 gene, results from a deletion of one nucleotide at nucleotide position 1361, causing a translational frameshift with a predicted alternate stop codon (p.S454Ifs*21). This mutation has been reported in multiple individuals with a personal and/or family history of breast and/or ovarian cancer (Lin PH et al. Oncotarget, 2016 Feb;7:8310-20; Bhaskaran SP et al. Int J Cancer, 2019 08;145:962-973; Chao A et al. J Gynecol Oncol, 2020 May;31:e24). In addition to the clinical data presented in the literature, this alteration is expected to result in loss of function by premature protein truncation or nonsense-mediated mRNA decay. As such, this alteration is interpreted as a disease-causing mutation.

Sharing Clinical Reports Project (SCRP)
Classification: Pathogenic for Breast-ovarian cancer, familial 1. Last evaluated: 2008-12-02. Review status: no assertion criteria provided. Collection method: clinical testing. Allele origin: germline. Not counted in ClinVar's aggregate classification.

Literature cited by the submitters: PubMed 26824983 (cited by Ambry Genetics); PubMed 30702160 (cited by Ambry Genetics); PubMed 31912679 (cited by Ambry Genetics).

NM_007294.4(BRCA1):c.1361del (p.Ser454fs)

Gene: BRCA1 (BRCA1 DNA repair associated; minus strand). Cytogenetic location: 17q21.31.
Variant type: Deletion.
Coding change: c.1361del on transcript NM_007294.4 (MANE Select); coding-DNA position 1361, one base deleted (G; older notation c.1361delG).
Protein change: p.Ser454fs; shifts the reading frame from serine 454.
Molecular consequence: frameshift variant. On other transcripts: intron variant (137).
Genome position (GRCh38, 1-based): chr17:43,094,170, C deleted on the plus strand (G on the coding strand, the reverse complement: BRCA1 is on the minus strand). VCF-style (leftmost placement, unchanged base first): chr17-43094169-AC-A. GRCh37 (hg19) VCF-style: chr17-41246186-AC-A.
Other names: 1480delG; c.1358del, p.Ser453fs (NM_001407591.1, NM_001407610.1, NM_001407587.1 and 22 more transcripts); c.1361del, p.Ser454fs (NM_001407593.1, NM_001407594.1, NM_001407596.1 and 30 more transcripts); c.1148del, p.Ser383fs (NM_001407571.1, NM_001407853.1, NM_001407894.1 and 9 more transcripts); c.1352del, p.Ser451fs (NM_001407646.1, NM_001407647.1); c.1238del, p.Ser413fs (NM_001407648.1, NM_001407664.1, NM_001407665.1 and 19 more transcripts); c.1235del, p.Ser412fs (NM_001407649.1, NM_001407670.1, NM_001407671.1 and 11 more transcripts); c.1283del, p.Ser428fs (NM_001407653.1, NM_001407654.1, NM_001407655.1 and 4 more transcripts); and 41 more; short protein forms S407fs, S454fs, S326fs, S327fs, S365fs, S342fs, S383fs, S451fs.
Identifiers: ClinVar variation 91549 (VCV000091549.6), dbSNP rs398122632, ClinGen allele CA000908.